The following is an entry in ClinVar:

NM_017654.4(SAMD9):c.4700T>C (p.Ile1567Thr)

Gene: SAMD9 (sterile alpha motif domain containing 9; minus strand). Cytogenetic location: 7q21.2.
Variant type: single nucleotide variant.
Coding change: c.4700T>C on transcript NM_017654.4 (MANE Select); coding-DNA position 4700, T replaced by C.
Protein change: p.Ile1567Thr; replaces isoleucine 1567 with threonine.
Molecular consequence: missense variant.
Genome position (GRCh38, 1-based): chr7:93,101,398, A>G on the plus strand (T>C on the coding strand, the complement: SAMD9 is on the minus strand). VCF-style: chr7-93101398-A-G. GRCh37 (hg19) VCF-style: chr7-92730711-A-G.
Other names: c.4700T>C, p.Ile1567Thr (NM_001193307.2); short protein forms I1567T.
Identifiers: ClinVar variation 3636726 (VCV003636726.2).

ClinVar aggregate classification (germline): Uncertain significance (1 of 4 stars; one submission).

Submission:

Labcorp Genetics (formerly Invitae), Labcorp
Classification: Uncertain significance. Last evaluated: 2024-07-30. Review status: criteria provided, single submitter. Criteria: Invitae Variant Classification Sherloc (09022015). Collection method: clinical testing. Allele origin: germline.
Comment: This sequence change replaces isoleucine, which is neutral and non-polar, with threonine, which is neutral and polar, at codon 1567 of the SAMD9 protein (p.Ile1567Thr). This variant is not present in population databases (gnomAD no frequency). This variant has not been reported in the literature in individuals affected with SAMD9-related conditions. Advanced modeling of protein sequence and biophysical properties (such as structural, functional, and spatial information, amino acid conservation, physicochemical variation, residue mobility, and thermodynamic stability) has been performed at Invitae for this missense variant, however the output from this modeling did not meet the statistical confidence thresholds required to predict the impact of this variant on SAMD9 protein function. In summary, the available evidence is currently insufficient to determine the role of this variant in disease. Therefore, it has been classified as a Variant of Uncertain Significance.